The following is an entry in ClinVar:

ClinVar aggregate classification (germline): Uncertain significance (1 of 4 stars; one submission).

Submission:

Women's Health and Genetics/Laboratory Corporation of America, LabCorp
Classification: Uncertain significance. Last evaluated: 2026-03-13. Review status: criteria provided, single submitter. Criteria: LabCorp Variant Classification Summary - May 2015. Collection method: clinical testing. Allele origin: germline.
Comment: Variant summary: CFTR c.3142A>G (p.Arg1048Gly) results in a non-conservative amino acid change in the encoded protein sequence near a canonical splice site. Algorithms developed to predict the effect of missense changes on protein structure and function all suggest that this variant is likely to be disruptive. Consensus agreement among computation tools predict no significant impact on normal splicing. However, these predictions have yet to be confirmed by functional studies. The variant was absent in 249162 control chromosomes. c.3142A>G has been observed in the compound heterozygous state together with a pathogenic variant in a newborn with a normal sweat chloride test and normal immunoreactive trypsinogen result (Castellani_2017). This report does not provide unequivocal conclusions about association of the variant with Cystic Fibrosis. At least one publication reports experimental evidence evaluating an impact on protein function. The most pronounced variant effect resulted in approximately 12% of normal chloride channel conductance relative to wild type (e.g., Bihler_2024). The following publications have been ascertained in the context of this evaluation (PMID: 38388235, 26755536). No submitters have cited clinical-significance assessments for this variant to ClinVar. Based on the evidence outlined above, the variant was classified as VUS-possibly pathogenic.

Literature cited by the submitters: PubMed 26755536; PubMed 38388235.

NM_000492.4(CFTR):c.3142A>G (p.Arg1048Gly)

Genes: CFTR (CF transmembrane conductance regulator; plus strand), CFTR-AS2 (CFTR antisense RNA 2; minus strand), LOC111674472 (DNase I hypersensitive sites in introns 16 and 17a of CFTR; plus strand). Cytogenetic location: 7q31.2.
Variant type: single nucleotide variant.
Coding change: c.3142A>G on transcript NM_000492.4 (MANE Select); coding-DNA position 3142, A replaced by G.
Protein change: p.Arg1048Gly; replaces arginine 1048 with glycine.
Molecular consequence: missense variant.
Genome position (GRCh38, 1-based): chr7:117,611,583, A>G. VCF-style: chr7-117611583-A-G. GRCh37 (hg19) VCF-style: chr7-117251637-A-G.
Other names: short protein forms R1048G.
Identifiers: ClinVar variation 4847260 (VCV004847260.1).